The following is an entry in ClinVar:

ClinVar aggregate classification (germline): Uncertain significance (0 of 4 stars; one submission).

Conditions:
BBS1-related disorder. Also called: BBS1-related condition.

Submission:

PreventionGenetics, part of Exact Sciences
Classification: Uncertain significance for BBS1-related condition. Last evaluated: 2024-09-16. Review status: no assertion criteria provided. Collection method: clinical testing. Allele origin: germline.
Comment: The BBS1 c.1576G>A variant is predicted to result in the amino acid substitution p.Ala526Thr. To our knowledge, this variant has not been reported in the literature or in a large population database, indicating this variant is rare. At this time, the clinical significance of this variant is uncertain due to the absence of conclusive functional and genetic evidence.

NM_024649.5(BBS1):c.1576G>A (p.Ala526Thr)

Genes: BBS1 (Bardet-Biedl syndrome 1; plus strand), ZDHHC24 (zDHHC palmitoyltransferase 24; minus strand). Cytogenetic location: 11q13.2.
Variant type: single nucleotide variant.
Coding change: c.1576G>A on transcript NM_024649.5 (MANE Select); coding-DNA position 1576, G replaced by A.
Protein change: p.Ala526Thr; replaces alanine 526 with threonine.
Molecular consequence: missense variant. On other transcripts: intron variant (1).
Genome position (GRCh38, 1-based): chr11:66,530,996, G>A. VCF-style: chr11-66530996-G-A. GRCh37 (hg19) VCF-style: chr11-66298467-G-A.
Other names: c.560-1508C>T (NM_001348571.2); short protein forms A526T.
Identifiers: ClinVar variation 3346593 (VCV003346593.1).